The following is an entry in ClinVar:

ClinVar aggregate classification (germline): Uncertain significance (1 of 4 stars; one submission).

Allele frequency attached by ClinVar (database versions not stated): gnomAD exomes below 0.00001; gnomAD 0.00001; TOPMed 0.00001.
gnomAD v4.1: 4 of 1,610,604 alleles (0.00025%); highest among the groups gnomAD compares: African/African-American, 0.0027%; no homozygotes.

Submission:

Labcorp Genetics (formerly Invitae), Labcorp
Classification: Uncertain significance. Last evaluated: 2025-01-23. Review status: criteria provided, single submitter. Criteria: Invitae Variant Classification Sherloc (09022015). Collection method: clinical testing. Allele origin: germline.
Comment: This sequence change replaces arginine, which is basic and polar, with cysteine, which is neutral and slightly polar, at codon 172 of the AHR protein (p.Arg172Cys). This variant is present in population databases (no rsID available, gnomAD 0.01%). This variant has not been reported in the literature in individuals affected with AHR-related conditions. ClinVar contains an entry for this variant (Variation ID: 1015389). An algorithm developed to predict the effect of missense changes on protein structure and function (PolyPhen-2) suggests that this variant is likely to be disruptive. In summary, the available evidence is currently insufficient to determine the role of this variant in disease. Therefore, it has been classified as a Variant of Uncertain Significance.

NM_001621.5(AHR):c.514C>T (p.Arg172Cys)

Gene: AHR (aryl hydrocarbon receptor; plus strand). Cytogenetic location: 7p21.1.
Variant type: single nucleotide variant.
Coding change: c.514C>T on transcript NM_001621.5 (MANE Select); coding-DNA position 514, C replaced by T.
Protein change: p.Arg172Cys; replaces arginine 172 with cysteine.
Molecular consequence: missense variant.
Genome position (GRCh38, 1-based): chr7:17,330,015, C>T. VCF-style: chr7-17330015-C-T. GRCh37 (hg19) VCF-style: chr7-17369639-C-T.
Other names: short protein forms R172C.
Identifiers: ClinVar variation 1015389 (VCV001015389.8), dbSNP rs942138458, ClinGen allele CA154111120.